The following is an entry in ClinVar:

ClinVar aggregate classification (germline): Pathogenic (1 of 4 stars; one submission).

Conditions:
Isolated microphthalmia 2. Identifiers: Orphanet 2542, MedGen C1864720, MONDO:0012409, OMIM 610093.

Submission:

Labcorp Genetics (formerly Invitae), Labcorp
Classification: Pathogenic for Isolated microphthalmia 2. Last evaluated: 2022-04-15. Review status: criteria provided, single submitter. Criteria: Invitae Variant Classification Sherloc (09022015). Collection method: clinical testing. Allele origin: germline.
Comment: For these reasons, this variant has been classified as Pathogenic. This variant has not been reported in the literature in individuals affected with VSX2-related conditions. This variant is not present in population databases (gnomAD no frequency). This sequence change creates a premature translational stop signal (p.Tyr172Thrfs*12) in the VSX2 gene. It is expected to result in an absent or disrupted protein product. Loss-of-function variants in VSX2 are known to be pathogenic (PMID: 20414678).

Literature cited by the submitters: PubMed 20414678.

NM_182894.3(VSX2):c.513del (p.Tyr172fs)

Gene: VSX2 (visual system homeobox 2; plus strand). Cytogenetic location: 14q24.3.
Variant type: Deletion.
Coding change: c.513del on transcript NM_182894.3 (MANE Select); coding-DNA position 513, one base deleted (C; older notation c.513delC).
Protein change: p.Tyr172fs; shifts the reading frame from tyrosine 172.
Molecular consequence: frameshift variant.
Genome position (GRCh38, 1-based): chr14:74,245,222, C deleted. VCF-style (leftmost placement, unchanged base first): chr14-74245221-AC-A. GRCh37 (hg19) VCF-style: chr14-74711924-AC-A.
Other names: short protein forms Y172fs.
Identifiers: ClinVar variation 1984660 (VCV001984660.4), dbSNP rs2504956615, ClinGen allele CA2575575818.
Genomic context (GRCh38, chr14:74,245,221, plus strand): 5'-TCAGGACAATCTTTACCTCCTACCAGCTAGAGGAGCTGGAGAAGGCATTCAACGAAGCCC[AC>A]TACCCAGACGTCTATGCCCGGGAGATGCTGGCCATGAAAACGGAGCTGCCGGAAGACAGG-3'